The following is an entry in ClinVar:

NM_001048174.2(MUTYH):c.877G>C (p.Gly293Arg)

Gene: MUTYH (mutY DNA glycosylase; minus strand). Cytogenetic location: 1p34.1.
Variant type: single nucleotide variant.
Coding change: c.877G>C on transcript NM_001048174.2 (MANE Select); coding-DNA position 877, G replaced by C.
Protein change: p.Gly293Arg; replaces glycine 293 with arginine.
Molecular consequence: missense variant. On other transcripts: non-coding transcript variant (2).
Genome position (GRCh38, 1-based): chr1:45,332,059, C>G on the plus strand (G>C on the coding strand, the complement: MUTYH is on the minus strand). VCF-style: chr1-45332059-C-G. GRCh37 (hg19) VCF-style: chr1-45797731-C-G.
Other names: c.877G>C, p.Gly293Arg (NM_001048171.2, NM_001048173.2, NM_001293195.2); c.880G>C, p.Gly294Arg (NM_001048172.2); c.961G>C, p.Gly321Arg (NM_001128425.2); c.922G>C, p.Gly308Arg (NM_001293190.2); c.910G>C, p.Gly304Arg (NM_001293191.2); c.601G>C, p.Gly201Arg (NM_001293192.2, NM_001293196.2); c.532G>C, p.Gly178Arg (NM_001350650.2, NM_001350651.2); c.952G>C, p.Gly318Arg (NM_012222.3); short protein forms G321R, G294R, G308R, G318R, G178R, G293R, G304R, G201R.
Identifiers: ClinVar variation 439221 (VCV000439221.14), dbSNP rs765686051, ClinGen allele CA340134139.

ClinVar aggregate classification (germline): Conflicting classifications of pathogenicity. Review status: criteria provided, conflicting classifications (1 of 4 stars). 4 submissions from 4 submitters: Uncertain significance (3); Likely benign (1). Last evaluated 2024-11-21.

Conditions:
Hereditary cancer-predisposing syndrome. Also called: Neoplastic Syndromes, Hereditary; Tumor predisposition; Hereditary neoplastic syndrome; Hereditary Cancer Syndrome. Identifiers: Orphanet 140162, MedGen C0027672, MeSH D009386, MONDO:0015356.
Familial adenomatous polyposis 2. Also called: COLORECTAL ADENOMATOUS POLYPOSIS, AUTOSOMAL RECESSIVE; ADENOMAS, MULTIPLE COLORECTAL, AUTOSOMAL RECESSIVE; MUTYH-associated polyposis; FAP type 2; MUTYH-related attenuated familial adenomatous polyposis; Adenomas, multiple colorectal. Identifiers: Orphanet 220460, Orphanet 247798, MedGen C3272841, MONDO:0012041, OMIM 608456.

Submissions (4):

Quest Diagnostics Nichols Institute San Juan Capistrano
Classification: Uncertain significance. Last evaluated: 2024-11-21. Review status: criteria provided, single submitter. Criteria: Quest Diagnostics criteria. Collection method: clinical testing. Allele origin: unknown.
Comment: The MUTYH c.961G>C (p.Gly321Arg) variant has been reported in the published literature in one individual from a breast cancer cohort (PMID: 25186627 (2015)). In a large scale breast cancer association study, this variant has been observed in one breast cancer case and one reportedly healthy individual (PMID: 33471991 (2021), see also LOVD). This variant has not been reported in large, multi-ethnic general populations (Genome Aggregation Database). Analysis of this variant using bioinformatics tools for the prediction of the effect of amino acid changes on protein structure and function yielded predictions that this variant is benign. Based on the available information, we are unable to determine the clinical significance of this variant.

Labcorp Genetics (formerly Invitae), Labcorp
Classification: Uncertain significance for Familial adenomatous polyposis 2. Last evaluated: 2024-11-09. Review status: criteria provided, single submitter. Criteria: Invitae Variant Classification Sherloc (09022015). Collection method: clinical testing. Allele origin: germline.
Comment: This sequence change replaces glycine, which is neutral and non-polar, with arginine, which is basic and polar, at codon 321 of the MUTYH protein (p.Gly321Arg). This variant is not present in population databases (gnomAD no frequency). This variant has not been reported in the literature in individuals affected with MUTYH-related conditions. ClinVar contains an entry for this variant (Variation ID: 439221). An algorithm developed to predict the effect of missense changes on protein structure and function outputs the following: PolyPhen-2: "Benign". The arginine amino acid residue is found in multiple mammalian species, which suggests that this missense change does not adversely affect protein function. In summary, the available evidence is currently insufficient to determine the role of this variant in disease. Therefore, it has been classified as a Variant of Uncertain Significance.

Ambry Genetics
Classification: Likely benign for Hereditary cancer-predisposing syndrome. Last evaluated: 2023-06-18. Review status: criteria provided, single submitter. Criteria: Ambry Variant Classification Scheme 2023. Collection method: clinical testing. Allele origin: germline.

GeneDx
Classification: Uncertain significance. Last evaluated: 2020-09-24. Review status: criteria provided, single submitter. Criteria: GeneDx Variant Classification Process June 2021. Collection method: clinical testing. Allele origin: germline. Affected: yes.
Comment: Has not been previously published as pathogenic or benign to our knowledge; Not observed in large population cohorts (Lek 2016); In silico analysis supports that this missense variant does not alter protein structure/function

Literature cited by the submitters: PubMed 25186627 (cited by Quest Diagnostics Nichols Institute San Juan Capistrano); PubMed 33471991 (cited by Quest Diagnostics Nichols Institute San Juan Capistrano).